The following is an entry in ClinVar:

NM_021999.5(ITM2B):c.585G>C (p.Gln195His)

Gene: ITM2B (integral membrane protein 2B; plus strand). Cytogenetic location: 13q14.2.
Variant type: single nucleotide variant.
Coding change: c.585G>C on transcript NM_021999.5 (MANE Select); coding-DNA position 585, G replaced by C.
Protein change: p.Gln195His; replaces glutamine 195 with histidine.
Molecular consequence: missense variant.
Genome position (GRCh38, 1-based): chr13:48,258,817, G>C. VCF-style: chr13-48258817-G-C. GRCh37 (hg19) VCF-style: chr13-48832953-G-C.
Other names: short protein forms Q195H.
Identifiers: ClinVar variation 4804750 (VCV004804750.1).

ClinVar aggregate classification (germline): Uncertain significance (1 of 4 stars; one submission).

gnomAD v4.1: 8 of 1,613,734 alleles (0.0005%); highest among the groups gnomAD compares: African/African-American, 0.011%; no homozygotes.

Submission:

Labcorp Genetics (formerly Invitae), Labcorp
Classification: Uncertain significance. Last evaluated: 2025-08-14. Review status: criteria provided, single submitter. Criteria: Invitae Variant Classification Sherloc (09022015). Collection method: clinical testing. Allele origin: germline.
Comment: This sequence change replaces glutamine, which is neutral and polar, with histidine, which is basic and polar, at codon 195 of the ITM2B protein (p.Gln195His). This variant is present in population databases (rs373587210, gnomAD 0.03%). This variant has not been reported in the literature in individuals affected with ITM2B-related conditions. Invitae Evidence Modeling of protein sequence and biophysical properties (such as structural, functional, and spatial information, amino acid conservation, physicochemical variation, residue mobility, and thermodynamic stability) indicates that this missense variant is not expected to disrupt ITM2B protein function with a negative predictive value of 80%. In summary, the available evidence is currently insufficient to determine the role of this variant in disease. Therefore, it has been classified as a Variant of Uncertain Significance.